The following is an entry in ClinVar:

NM_152564.5(VPS13B):c.6698T>G (p.Leu2233Arg)

Gene: VPS13B (vacuolar protein sorting 13 homolog B; plus strand). Cytogenetic location: 8q22.2.
Variant type: single nucleotide variant.
Coding change: c.6698T>G on transcript NM_152564.5 (MANE Select); coding-DNA position 6698, T replaced by G.
Protein change: p.Leu2233Arg; replaces leucine 2233 with arginine.
Molecular consequence: missense variant.
Genome position (GRCh38, 1-based): chr8:99,720,385, T>G. VCF-style: chr8-99720385-T-G. GRCh37 (hg19) VCF-style: chr8-100732613-T-G.
Other names: c.6773T>G, p.Leu2258Arg (NM_017890.5); short protein forms L2258R, L2233R.
Identifiers: ClinVar variation 459248 (VCV000459248.6), dbSNP rs776873589, ClinGen allele CA371867607.
Genomic context (GRCh38, chr8:99,720,385, plus strand): 5'-ATTTTTTTATGATTTTAAAGGTCTTCTGGGGTCAAGAACATTTGAATTGTTTAGTTCTTC[T>G]ACATGAATTACTCAATGGATACCTTAATGAGGAGGGAAATTTTGAAGTACAAGTTTCTGA-3'
Protein context (NP_689777.3, residues 2223-2243): GQEHLNCLVL[Leu2233Arg]HELLNGYLNE

ClinVar aggregate classification (germline): Uncertain significance (1 of 4 stars; one submission).

Conditions:
Cohen syndrome (COH1). Also called: PEPPER SYNDROME; Cutis verticis gyrata, retinitis pigmentosa, and sensorineural deafness. Identifiers: Orphanet 193, MedGen C0265223, MONDO:0008999, OMIM 216550.

Submission:

Labcorp Genetics (formerly Invitae), Labcorp
Classification: Uncertain significance for Cohen syndrome. Last evaluated: 2022-08-19. Review status: criteria provided, single submitter. Criteria: Invitae Variant Classification Sherloc (09022015). Collection method: clinical testing. Allele origin: germline.
Comment: This sequence change replaces leucine, which is neutral and non-polar, with arginine, which is basic and polar, at codon 2258 of the VPS13B protein (p.Leu2258Arg). This variant is not present in population databases (gnomAD no frequency). This missense change has been observed in individual(s) with Cohen syndrome (Invitae). In at least one individual the data is consistent with being in trans (on the opposite chromosome) from a pathogenic variant. ClinVar contains an entry for this variant (Variation ID: 459248). Algorithms developed to predict the effect of missense changes on protein structure and function are either unavailable or do not agree on the potential impact of this missense change (SIFT: "Not Available"; PolyPhen-2: "Benign"; Align-GVGD: "Not Available"). In summary, the available evidence is currently insufficient to determine the role of this variant in disease. Therefore, it has been classified as a Variant of Uncertain Significance.